The following is an entry in ClinVar:

NM_001267550.2(TTN):c.32767A>C (p.Lys10923Gln)

Gene: TTN (titin; minus strand). Cytogenetic location: 2q31.2.
Variant type: single nucleotide variant.
Coding change: c.32767A>C on transcript NM_001267550.2 (MANE Select); coding-DNA position 32767, A replaced by C.
Protein change: p.Lys10923Gln; replaces lysine 10923 with glutamine.
Molecular consequence: missense variant. On other transcripts: intron variant (3).
Genome position (GRCh38, 1-based): chr2:178,684,038, T>G on the plus strand (A>C on the coding strand, the complement: TTN is on the minus strand). VCF-style: chr2-178684038-T-G. GRCh37 (hg19) VCF-style: chr2-179548765-T-G.
Other names: p.K10606Q:AAA>CAA; c.31816A>C, p.Lys10606Gln (NM_001256850.1); c.29035A>C, p.Lys9679Gln (NM_133378.4); c.13283-41721A>C (NM_003319.4); c.13859-41721A>C (NM_133437.4); c.13658-41721A>C (NM_133432.3); short protein forms K10923Q, K9679Q, K10606Q.
Identifiers: ClinVar variation 179053 (VCV000179053.15), dbSNP rs367720439, ClinGen allele CA183628.

ClinVar aggregate classification (germline): Conflicting classifications of pathogenicity. Review status: criteria provided, conflicting classifications (1 of 4 stars). 8 submissions from 8 submitters: Uncertain significance (6); Likely benign (1). 1 of the submissions does not count toward it. Last evaluated 2026-07-06.

Conditions:
TTN-related disorder. Also called: TTN-related condition; TTN-related disease; TTN-related disorders.
Tibial muscular dystrophy (TMD). Also called: Udd Distal Myopathy – Tibial Muscular Dystrophy; UDD MYOPATHY; Tibial muscular dystrophy, tardive. Identifiers: Orphanet 609, MedGen C1838244, MONDO:0010870, OMIM 600334.
Myopathy, myofibrillar, 9, with early respiratory failure (MFM9). Also called: Hereditary myopathy with early respiratory failure; EDSTROM MYOPATHY; MYOPATHY, PROXIMAL, WITH EARLY RESPIRATORY MUSCLE INVOLVEMENT; Myopathy, distal, with early respiratory failure, autosomal dominant. Identifiers: Orphanet 178464, Orphanet 34521, MedGen C1863599, MONDO:0011362, OMIM 603689.
Dilated cardiomyopathy 1G (CMD1G). Identifiers: Orphanet 154, MedGen C1858763, MONDO:0011400, OMIM 604145.
Hypertrophic cardiomyopathy 9. Also called: Familial hypertrophic cardiomyopathy 9. Identifiers: MedGen C1861065, MONDO:0013412, OMIM 613765.
Autosomal recessive limb-girdle muscular dystrophy type 2J (LGMDR10). Also called: Limb-girdle muscular dystrophy, type 2J; MUSCULAR DYSTROPHY, LIMB-GIRDLE, AUTOSOMAL RECESSIVE 10. Identifiers: Orphanet 140922, MedGen C1837342, MONDO:0012127, OMIM 608807.
Early-onset myopathy with fatal cardiomyopathy (CMYO5). Also called: CONGENITAL MYOPATHY 5 WITH CARDIOMYOPATHY; Salih Myopathy. Identifiers: Orphanet 289377, MedGen C2673677, MONDO:0012714, OMIM 611705. Disease mechanism: loss of function.

Allele frequency attached by ClinVar (database versions not stated): ExAC 0.00007; ESP Exome Variant Server 0.00009; gnomAD 0.00019 and 0.00020; TOPMed 0.00022; 1000 Genomes Project 0.00040; 1000 Genomes Project 30x 0.00047; gnomAD exomes 0.00002 and 0.00006.
gnomAD v4.1: 43 of 1,612,248 alleles (0.0027%); highest among the groups gnomAD compares: African/African-American, 0.049%; no homozygotes.

Submissions (8):

PreventionGenetics, part of Exact Sciences
Classification: Uncertain significance for TTN-related condition. Last evaluated: 2026-07-06. Review status: criteria provided, single submitter. Criteria: ACMG Guidelines, 2015. Collection method: clinical testing. Allele origin: germline.
Comment: The TTN c.32767A>C variant is predicted to result in the amino acid substitution p.Lys10923Gln. To our knowledge, this variant has not been reported in the literature. This variant is reported in 0.066% of alleles in individuals of African descent in gnomAD. Although we suspect that this variant may be benign, at this time, the clinical significance of this variant is uncertain due to the absence of conclusive functional and genetic evidence.

Athena Diagnostics
Classification: Uncertain significance. Last evaluated: 2025-02-25. Review status: criteria provided, single submitter. Criteria: Athena Diagnostics Criteria. Collection method: clinical testing. Allele origin: unknown.
Comment: Available data are insufficient to determine the clinical significance of the variant at this time. The frequency of this variant in the general population is higher than would generally be expected for pathogenic variants in this gene. Polyphen and MutationTaster yielded discordant predictions regarding whether this amino acid change is damaging to the protein.

Women's Health and Genetics/Laboratory Corporation of America, LabCorp
Classification: Likely benign. Last evaluated: 2024-10-21. Review status: criteria provided, single submitter. Criteria: LabCorp Variant Classification Summary - May 2015. Collection method: clinical testing. Allele origin: germline.
Comment: Variant summary: TTN c.29035A>C (p.Lys9679Gln) results in a conservative amino acid change located in the I-band domian of the encoded protein sequence. Two of three in-silico tools predict a benign effect of the variant on protein function. The variant allele was found at a frequency of 6.4e-05 in 248686 control chromosomes, predominantly at a frequency of 0.00078 within the African or African-American subpopulation in the gnomAD database. The observed variant frequency within African or African-American control individuals in the gnomAD database is approximately 2 fold of the estimated maximal expected allele frequency for a pathogenic variant in TTN causing Dilated Cardiomyopathy phenotype (0.00039). To our knowledge, no occurrence of c.29035A>C in individuals affected with Dilated Cardiomyopathy and no experimental evidence demonstrating its impact on protein function have been reported. ClinVar contains an entry for this variant (Variation ID: 179053). Based on the evidence outlined above, the variant was classified as likely benign.

Mayo Clinic Laboratories, Mayo Clinic
Classification: Uncertain significance. Last evaluated: 2023-01-12. Review status: criteria provided, single submitter. Criteria: ACMG Guidelines, 2015. Collection method: clinical testing. Allele origin: germline. Observed: 1 variant allele.
Comment: BP4

Revvity Omics, Revvity
Classification: Uncertain significance. Last evaluated: 2020-07-20. Review status: criteria provided, single submitter. Criteria: ACMG Guidelines, 2015. Collection method: clinical testing. Allele origin: germline.

Fulgent Genetics
Classification: Uncertain significance for Tibial muscular dystrophy; Myopathy, myofibrillar, 9, with early respiratory failure; Dilated cardiomyopathy 1G; Autosomal recessive limb-girdle muscular dystrophy type 2J; Early-onset myopathy with fatal cardiomyopathy; Hypertrophic cardiomyopathy 9. Last evaluated: 2018-10-31. Review status: criteria provided, single submitter. Criteria: ACMG Guidelines, 2015. Collection method: clinical testing. Allele origin: unknown.

Laboratory for Molecular Medicine, Mass General Brigham Personalized Medicine
Classification: Uncertain significance. Last evaluated: 2015-01-14. Review status: criteria provided, single submitter. Criteria: LMM Criteria. Collection method: clinical testing. Allele origin: germline. Observed: 2 variant alleles.
Comment: Computational prediction tools and conservation analysis suggest that this variant may not impact the protein, though this information is not predict ive enough to rule out pathogenicity. In summary, the clinical significance of t he p.Lys9679Gln variant is uncertain.

GeneDx
No classification provided. Last evaluated: 2014-07-08. Review status: no classification provided. Criteria: GeneDx Variant Classification (06012015). Collection method: clinical testing. Allele origin: germline. Affected: yes. Not counted in ClinVar's aggregate classification.
Comment: Missense variants in the TTN gene are considered 'unclassified' if they are not previously reported in the literature and do not have >1% frequency in the population to be considered a polymorphism. Research indicates that truncating mutations in the TTN gene are expected to account for approximately 25% of familial and 18% of sporadic idiopathic DCM; however, truncating variants in the TTN gene have been reported in approximately 3% of reported control alleles. There has been little investigation into non-truncating variants. (Herman D et al. Truncations of titin causing dilated cardiomyopathy. N Eng J Med 366:619-628, 2012) The variant is found in CARDIOMYOPATHY panel(s).